The following is an entry in ClinVar:

ClinVar aggregate classification (germline): Uncertain significance. Review status: criteria provided, multiple submitters, no conflicts (2 of 4 stars). 2 submissions from 2 submitters: Uncertain significance (2). Last evaluated 2022-11-07.

Conditions:
Cardiovascular phenotype. Identifiers: MedGen CN230736.
Capillary malformation-arteriovenous malformation syndrome. Also called: Capillary malformation-arteriovenous malformation. Identifiers: Orphanet 137667, MedGen C1842180, MONDO:0012016.

Allele frequency attached by ClinVar (database versions not stated): ExAC 0.00002; gnomAD exomes 0.00001 and 0.00002.
gnomAD v4.1: 7 of 1,612,710 alleles (0.00043%); highest among the groups gnomAD compares: Non-Finnish European, 0.00059%; no homozygotes.

Submissions (3):

Ambry Genetics
Classification: Uncertain significance for Cardiovascular phenotype. Last evaluated: 2022-11-07. Review status: criteria provided, single submitter. Criteria: Ambry Variant Classification Scheme 2023. Collection method: clinical testing. Allele origin: germline.
Comment: The p.R283H variant (also known as c.848G>A), located in coding exon 4 of the RASA1 gene, results from a G to A substitution at nucleotide position 848. The arginine at codon 283 is replaced by histidine, an amino acid with highly similar properties. This amino acid position is conserved. In addition, the in silico prediction for this alteration is inconclusive. Since supporting evidence is limited at this time, the clinical significance of this alteration remains unclear.

Labcorp Genetics (formerly Invitae), Labcorp
Classification: Uncertain significance for Capillary malformation-arteriovenous malformation syndrome. Last evaluated: 2019-07-15. Review status: criteria provided, single submitter. Criteria: Invitae Variant Classification Sherloc (09022015). Collection method: clinical testing. Allele origin: germline.
Comment: In summary, the available evidence is currently insufficient to determine the role of this variant in disease. Therefore, it has been classified as a Variant of Uncertain Significance. Algorithms developed to predict the effect of missense changes on protein structure and function are either unavailable or do not agree on the potential impact of this missense change (SIFT: "Tolerated"; PolyPhen-2: "Probably Damaging"; Align-GVGD: "Class C0"). This variant has not been reported in the literature in individuals with RASA1-related conditions. This variant is present in population databases (rs753769946, ExAC 0.01%). This sequence change replaces arginine with histidine at codon 283 of the RASA1 protein (p.Arg283His). The arginine residue is highly conserved and there is a small physicochemical difference between arginine and histidine.

Dr. Peter K. Rogan Lab, Western University
No classification provided (evidence only). Condition: Gastric cancer. Review status: no classification provided. Collection method: in vitro. Allele origin: not applicable. Functional consequence: retained intron. Not counted in ClinVar's aggregate classification.

NM_002890.3(RASA1):c.848G>A (p.Arg283His)

Genes: CCNH (cyclin H; minus strand), RASA1 (RAS p21 protein activator 1; plus strand). Cytogenetic location: 5q14.3.
Variant type: single nucleotide variant.
Coding change: c.848G>A on transcript NM_002890.3 (MANE Select); coding-DNA position 848, G replaced by A.
Protein change: p.Arg283His; replaces arginine 283 with histidine.
Molecular consequence: missense variant. On other transcripts: intron variant (1).
Genome position (GRCh38, 1-based): chr5:87,333,286, G>A. VCF-style: chr5-87333286-G-A. GRCh37 (hg19) VCF-style: chr5-86629103-G-A.
Other names: c.317G>A, p.Arg106His (NM_022650.3); c.934-20491C>T (NM_001364075.2); short protein forms R106H, R283H.
Identifiers: ClinVar variation 938481 (VCV000938481.13), dbSNP rs753769946, ClinGen allele CA3335584.